The following is an entry in ClinVar:

ClinVar aggregate classification (germline): Uncertain significance. Review status: criteria provided, multiple submitters, no conflicts (2 of 4 stars). 3 submissions from 3 submitters: Uncertain significance (3). Last evaluated 2026-06-04.

Conditions:
Progressive encephalopathy with leukodystrophy due to DECR deficiency. Identifiers: Orphanet 431361, MedGen C1857252, MONDO:0014464, OMIM 616034.
Inborn genetic diseases. Identifiers: MedGen C0950123, MeSH D030342.

Allele frequency attached by ClinVar (database versions not stated): TOPMed 0.00003; gnomAD 0.00004 and 0.00003; gnomAD exomes 0.00006; ExAC 0.00008.

Submissions (3):

Women's Health and Genetics/Laboratory Corporation of America, LabCorp
Classification: Uncertain significance. Last evaluated: 2026-06-04. Review status: criteria provided, single submitter. Criteria: LabCorp Variant Classification Summary - May 2015. Collection method: clinical testing. Allele origin: germline.
Comment: Variant summary: NADK2 c.388C>T (p.Arg130Trp) results in a non-conservative amino acid change in the encoded protein sequence. Algorithms developed to predict the effect of missense changes on protein structure and function are either unavailable or do not agree on the potential impact of this missense change. The frequency data for this variant in gnomAD is considered unreliable, as metrics indicate poor data quality at this position. To our knowledge, no occurrence of c.388C>T in individuals affected with NADK2-related conditions and no experimental evidence demonstrating its impact on protein function have been reported. ClinVar contains an entry for this variant (Variation ID: 578808). Based on the evidence outlined above, the variant was classified as uncertain significance.

Ambry Genetics
Classification: Uncertain significance for Inborn genetic diseases. Last evaluated: 2025-08-25. Review status: criteria provided, single submitter. Criteria: Ambry Variant Classification Scheme 2023. Collection method: clinical testing. Allele origin: germline.

Labcorp Genetics (formerly Invitae), Labcorp
Classification: Uncertain significance for Progressive encephalopathy with leukodystrophy due to DECR deficiency. Last evaluated: 2025-04-08. Review status: criteria provided, single submitter. Criteria: Invitae Variant Classification Sherloc (09022015). Collection method: clinical testing. Allele origin: germline.
Comment: This sequence change replaces arginine, which is basic and polar, with tryptophan, which is neutral and slightly polar, at codon 130 of the NADK2 protein (p.Arg130Trp). The frequency data for this variant in the population databases is considered unreliable, as metrics indicate poor data quality at this position in the gnomAD database. This variant has not been reported in the literature in individuals affected with NADK2-related conditions. ClinVar contains an entry for this variant (Variation ID: 578808). An algorithm developed to predict the effect of missense changes on protein structure and function (PolyPhen-2) suggests that this variant is likely to be disruptive. In summary, the available evidence is currently insufficient to determine the role of this variant in disease. Therefore, it has been classified as a Variant of Uncertain Significance.

NM_001085411.3(NADK2):c.388C>T (p.Arg130Trp)

Gene: NADK2 (NAD kinase 2, mitochondrial; minus strand). Cytogenetic location: 5p13.2.
Variant type: single nucleotide variant.
Coding change: c.388C>T on transcript NM_001085411.3 (MANE Select); coding-DNA position 388, C replaced by T.
Protein change: p.Arg130Trp; replaces arginine 130 with tryptophan.
Molecular consequence: missense variant. On other transcripts: 5 prime UTR variant (3).
Genome position (GRCh38, 1-based): chr5:36,227,478, G>A on the plus strand (C>T on the coding strand, the complement: NADK2 is on the minus strand). VCF-style: chr5-36227478-G-A. GRCh37 (hg19) VCF-style: chr5-36227580-G-A.
Other names: c.-102C>T (NM_001287340.2, NM_001287341.2, NM_153013.5); c.388C>T (NM_001085411.1); short protein forms R130W.
Identifiers: ClinVar variation 578808 (VCV000578808.10), dbSNP rs779870872, ClinGen allele CA3234761.
Genomic context (GRCh38, chr5:36,227,478, plus strand): 5'-ATAAAAACTGGAAGTCCTGAATATAAAATCCAACCCAAGACCCAATCCCATAGACTTACC[G>A]TAAACTATCTATAATATGTTCTACATTTTTGGTGTGAATATGATGTCGTTCAAGAAGTCC-3'
Protein context (NP_001078880.1, residues 120-140): KNVEHIIDSL[Arg130Trp]NEGIEVRLVK